The following is an entry in ClinVar:

ClinVar aggregate classification (germline): Likely pathogenic (1 of 4 stars; one submission).

Conditions:
Sandhoff disease. Also called: GM2-GANGLIOSIDOSIS, TYPE II; HEXOSAMINIDASES A AND B DEFICIENCY; Beta-hexosaminidase-beta-subunit deficiency; GM2 gangliosidosis, type 2; Total hexosaminidase deficiency; Sandhoff-Jatzkewitz-Pilz disease. Identifiers: Orphanet 796, MedGen C0036161, MONDO:0010006, OMIM 268800.

Submission:

Natera, Inc.
Classification: Likely pathogenic for Sandhoff disease. Last evaluated: 2024-10-24. Review status: criteria provided, single submitter. Criteria: Natera Variant Classification Schema (03/2026). Collection method: clinical testing. Allele origin: germline.
Comment: The c.142_164delinsCTGTGGG variant in HEXB is a frameshift variant predicted to shift the reading frame beginning at codon 48 and leads to a stop codon 11 codons downstream. This variant is expected to result in nonsense mediated decay, truncation, or a dysfunctional protein product. This variant is rare in the general population with a frequency below the threshold expected for the associated phenotype(s). Given the available evidence, this variant is classified as Likely Pathogenic.

NM_000521.4(HEXB):c.142_164delinsCTGTGGG (p.Val48fs)

Gene: HEXB (hexosaminidase subunit beta; plus strand). Cytogenetic location: 5q13.3.
Variant type: Indel.
Coding change: c.142_164delinsCTGTGGG on transcript NM_000521.4 (MANE Select); coding-DNA positions 142 to 164, GTCTCGGCCAAGCCGGGGCCGGC replaced by CTGTGGG.
Protein change: p.Val48fs; shifts the reading frame from valine 48.
Molecular consequence: frameshift variant. On other transcripts: intron variant (1).
Genome position (GRCh38, 1-based): chr5:74,685,402-74,685,424, GTCTCGGCCAAGCCGGGGCCGGC replaced by CTGTGGG. VCF-style: chr5-74685402-GTCTCGGCCAAGCCGGGGCCGGC-CTGTGGG. GRCh37 (hg19) VCF-style: chr5-73981227-GTCTCGGCCAAGCCGGGGCCGGC-CTGTGGG.
Other names: c.-376-3926_-376-3904delinsCTGTGGG (NM_001292004.2); short protein forms V48fs.
Identifiers: ClinVar variation 4814284 (VCV004814284.1).